The following is an entry in ClinVar:

NM_004612.4(TGFBR1):c.1131-12A>C

Gene: TGFBR1 (transforming growth factor beta receptor 1; plus strand). Cytogenetic location: 9q22.33.
Variant type: single nucleotide variant.
Coding change: c.1131-12A>C on transcript NM_004612.4 (MANE Select); 12 bases into the intron before coding-DNA position 1131, A replaced by C.
Molecular consequence: intron variant.
Genome position (GRCh38, 1-based): chr9:99,146,473, A>C. VCF-style: chr9-99146473-A-C. GRCh37 (hg19) VCF-style: chr9-101908755-A-C.
Other names: c.1143-12A>C (NM_001306210.2); c.900-12A>C (NM_001130916.3).
Identifiers: ClinVar variation 1971777 (VCV001971777.6), dbSNP rs2490249347, ClinGen allele CA2542983564.

ClinVar aggregate classification (germline): Likely benign. Review status: criteria provided, multiple submitters, no conflicts (2 of 4 stars). 2 submissions from 2 submitters: Likely benign (2). Last evaluated 2024-04-16.

Conditions:
Loeys-Dietz syndrome (LDS). Identifiers: Orphanet 60030, MedGen C2697932, MONDO:0018954.
Familial thoracic aortic aneurysm and aortic dissection (TAAD). Also called: Thoracic aortic aneurysms and dissections. Identifiers: Orphanet 91387, MedGen C4707243, MONDO:0019625.

Allele frequency attached by ClinVar (database versions not stated): gnomAD exomes below 0.00001.
gnomAD v4.1: 2 of 1,613,774 alleles (0.00012%); highest among the groups gnomAD compares: African/African-American, 0.0013%; no homozygotes.

Submissions (2):

All of Us Research Program, National Institutes of Health
Classification: Likely benign for Loeys-Dietz syndrome. Last evaluated: 2024-04-16. Review status: criteria provided, single submitter. Criteria: ACMG Guidelines, 2015. Collection method: clinical testing. Allele origin: germline. Inheritance: Autosomal dominant inheritance. Observed: 1 variant allele, 1 heterozygote.
Comment: This study involves interpretation of variants in research participants for the purpose of population health screening. Participant phenotype was not available at the time of variant classification. Additional details can be found in publication PMID: 35346344, PMCID: PMC8962531

Labcorp Genetics (formerly Invitae), Labcorp
Classification: Likely benign for Familial thoracic aortic aneurysm and aortic dissection. Last evaluated: 2022-09-25. Review status: criteria provided, single submitter. Criteria: Invitae Variant Classification Sherloc (09022015). Collection method: clinical testing. Allele origin: germline.